The following is an entry in ClinVar:

ClinVar aggregate classification (germline): Uncertain significance. Review status: criteria provided, multiple submitters, no conflicts (2 of 4 stars). 2 submissions from 2 submitters: Uncertain significance (2). Last evaluated 2026-04-03.

Conditions:
Inborn genetic diseases. Identifiers: MedGen C0950123, MeSH D030342.

gnomAD v4.1: 10 of 1,614,222 alleles (0.00062%); highest among the groups gnomAD compares: Non-Finnish European, 0.00085%; no homozygotes.

Submissions (2):

GeneDx
Classification: Uncertain significance. Last evaluated: 2026-04-03. Review status: criteria provided, single submitter. Criteria: GeneDx Variant Classification Process June 2021. Collection method: clinical testing. Allele origin: germline.
Comment: Not observed at significant frequency in large population cohorts (gnomAD); In silico analysis suggests that this missense variant does not alter protein structure/function; Has not been previously published as pathogenic or benign to our knowledge

Ambry Genetics
Classification: Uncertain significance for Inborn genetic diseases. Last evaluated: 2025-05-05. Review status: criteria provided, single submitter. Criteria: Ambry Variant Classification Scheme 2023. Collection method: clinical testing. Allele origin: germline.

NM_014208.3(DSPP):c.1466G>A (p.Gly489Glu)

Genes: DMP1-AS1 (DMP1 and DSPP antisense RNA 1; minus strand), DSPP (dentin sialophosphoprotein; plus strand). Cytogenetic location: 4q22.1.
Variant type: single nucleotide variant.
Coding change: c.1466G>A on transcript NM_014208.3 (MANE Select); coding-DNA position 1466, G replaced by A.
Protein change: p.Gly489Glu; replaces glycine 489 with glutamic acid.
Molecular consequence: missense variant.
Genome position (GRCh38, 1-based): chr4:87,614,128, G>A. VCF-style: chr4-87614128-G-A. GRCh37 (hg19) VCF-style: chr4-88535280-G-A.
Other names: short protein forms G489E.
Identifiers: ClinVar variation 4015128 (VCV004015128.2).